The following is an entry in ClinVar:

NM_024996.7(GFM1):c.850C>T (p.Arg284Ter)

Gene: GFM1 (G elongation factor mitochondrial 1; plus strand). Cytogenetic location: 3q25.32.
Variant type: single nucleotide variant.
Coding change: c.850C>T on transcript NM_024996.7 (MANE Select); coding-DNA position 850, C replaced by T.
Protein change: p.Arg284Ter; replaces arginine 284 with a stop codon.
Molecular consequence: nonsense. On other transcripts: non-coding transcript variant (4).
Genome position (GRCh38, 1-based): chr3:158,653,319, C>T. VCF-style: chr3-158653319-C-T. GRCh37 (hg19) VCF-style: chr3-158371108-C-T.
Other names: c.907C>T, p.Arg303Ter (NM_001308164.2, NM_001374355.1); c.850C>T, p.Arg284Ter (NM_001308166.2); c.733C>T, p.Arg245Ter (NM_001374356.1); c.625C>T, p.Arg209Ter (NM_001374357.1); c.391C>T, p.Arg131Ter (NM_001374358.1); c.283C>T, p.Arg95Ter (NM_001374359.1, NM_001374360.1); c.166C>T, p.Arg56Ter (NM_001374361.1); short protein forms R131*, R245*, R95*, R303*, R209*, R284*, R56*.
Identifiers: ClinVar variation 1453256 (VCV001453256.11), dbSNP rs771890880, ClinGen allele CA2682447.

ClinVar aggregate classification (germline): Pathogenic/Likely pathogenic. Review status: criteria provided, multiple submitters, no conflicts (2 of 4 stars). 3 submissions from 3 submitters: Pathogenic (1); Likely pathogenic (2). Last evaluated 2024-04-09.

Conditions:
GFM1-related disorders.
Hepatoencephalopathy due to combined oxidative phosphorylation defect type 1. Also called: HEPATOENCEPHALOPATHY, EARLY FATAL PROGRESSIVE. Identifiers: Orphanet 137681, MedGen C1836797, MONDO:0012191, OMIM 609060.

Allele frequency attached by ClinVar (database versions not stated): TOPMed 0.00001; ExAC 0.00004; gnomAD exomes 0.00004; gnomAD 0.00005.
gnomAD v4.1: 31 of 1,612,440 alleles (0.0019%); highest among the groups gnomAD compares: South Asian, 0.0044%; no homozygotes.

Submissions (3):

Fulgent Genetics
Classification: Likely pathogenic for Hepatoencephalopathy due to combined oxidative phosphorylation defect type 1. Last evaluated: 2024-04-09. Review status: criteria provided, single submitter. Criteria: ACMG Guidelines, 2015. Collection method: clinical testing. Allele origin: germline.

Labcorp Genetics (formerly Invitae), Labcorp
Classification: Pathogenic. Last evaluated: 2023-11-02. Review status: criteria provided, single submitter. Criteria: Invitae Variant Classification Sherloc (09022015). Collection method: clinical testing. Allele origin: germline.
Comment: This sequence change creates a premature translational stop signal (p.Arg284*) in the GFM1 gene. It is expected to result in an absent or disrupted protein product. Loss-of-function variants in GFM1 are known to be pathogenic (PMID: 16632485, 17160893). This variant is present in population databases (rs771890880, gnomAD 0.04%). This variant has not been reported in the literature in individuals affected with GFM1-related conditions. ClinVar contains an entry for this variant (Variation ID: 1453256). For these reasons, this variant has been classified as Pathogenic.

Blueprint Genetics
Classification: Likely pathogenic for GFM1-related disorders. Last evaluated: 2020-06-10. Review status: criteria provided, single submitter. Criteria: ACMG Guidelines, 2015. Collection method: clinical testing. Allele origin: germline. Affected: yes. Observed: 1 variant allele.

Literature cited by the submitters: PubMed 16632485 (cited by Labcorp Genetics (formerly Invitae), Labcorp); PubMed 17160893 (cited by Labcorp Genetics (formerly Invitae), Labcorp).